The following is an entry in ClinVar:

NM_001330311.2(DVL1):c.146T>C (p.Phe49Ser)

Gene: DVL1 (dishevelled segment polarity protein 1; minus strand). Cytogenetic location: 1p36.33.
Variant type: single nucleotide variant.
Coding change: c.146T>C on transcript NM_001330311.2 (MANE Select); coding-DNA position 146, T replaced by C.
Protein change: p.Phe49Ser; replaces phenylalanine 49 with serine.
Molecular consequence: missense variant.
Genome position (GRCh38, 1-based): chr1:1,348,920, A>G on the plus strand (T>C on the coding strand, the complement: DVL1 is on the minus strand). VCF-style: chr1-1348920-A-G. GRCh37 (hg19) VCF-style: chr1-1284300-A-G.
Other names: c.146T>C, p.Phe49Ser (NM_004421.3); short protein forms F49S.
Identifiers: ClinVar variation 4880853 (VCV004880853.2).

ClinVar aggregate classification (germline): Uncertain significance (1 of 4 stars; one submission).

Submission:

Dasa
Classification: Uncertain significance. Last evaluated: 2025-12-02. Review status: criteria provided, single submitter. Criteria: DASA Assertion Criteria. Collection method: clinical testing. Allele origin: germline.
Comment: NM_001330311.2(DVL1):c.146T>C (p.Phe49Ser) is a missense variant that results in the substitution of phenylalanine with serine. This variant is rare in population databases. The currently available literature and clinical evidence are not sufficient to establish a definitive association between this variant and the reported condition. Therefore, this variant is classified as a variant of uncertain significance.